The following is an entry in ClinVar:

NM_004006.3(DMD):c.4345-1G>C

Gene: DMD (dystrophin; minus strand). Cytogenetic location: Xp21.1.
Variant type: single nucleotide variant.
Coding change: c.4345-1G>C on transcript NM_004006.3 (MANE Select); the canonical splice acceptor site of the intron before coding-DNA position 4345, G replaced by C.
Molecular consequence: splice acceptor variant.
Genome position (GRCh38, 1-based): chrX:32,389,675, C>G on the plus strand (G>C on the coding strand, the complement: DMD is on the minus strand). VCF-style: chrX-32389675-C-G. GRCh37 (hg19) VCF-style: chrX-32407792-C-G.
Other names: c.4321-1G>C (NM_000109.4); c.322-1G>C (NM_004011.4); c.313-1G>C (NM_004012.4); c.4333-1G>C (NM_004009.3); c.3976-1G>C (NM_004010.3).
Identifiers: ClinVar variation 1508710 (VCV001508710.8), dbSNP rs2147613901, ClinGen allele CA412663830.
Genomic context (GRCh38, chrX:32,389,675, plus strand): 5'-CTCAAAATTGGCTGGTTTCTGGAATAATCGAAACTTCATGGAGACATCTTGTAATTTTTT[C>G]TGTAAGGACAGTGTAAAAAGGCACTGATTTAATTTTGCCTTTCAAACAATAACTGGTCCT-3'

ClinVar aggregate classification (germline): Likely pathogenic (1 of 4 stars; one submission).

Conditions:
Duchenne muscular dystrophy (DMD). Also called: Duchenne Muscular Dystrophy (DMD); MUSCULAR DYSTROPHY, PSEUDOHYPERTROPHIC PROGRESSIVE, DUCHENNE TYPE. Identifiers: Orphanet 98896, MedGen C0013264, MONDO:0010679, OMIM 310200.

Submission:

Labcorp Genetics (formerly Invitae), Labcorp
Classification: Likely pathogenic for Duchenne muscular dystrophy. Last evaluated: 2021-04-05. Review status: criteria provided, single submitter. Criteria: Invitae Variant Classification Sherloc (09022015). Collection method: clinical testing. Allele origin: germline.
Comment: In summary, the currently available evidence indicates that the variant is pathogenic, but additional data are needed to prove that conclusively. Therefore, this variant has been classified as Likely Pathogenic. Algorithms developed to predict the effect of sequence changes on RNA splicing suggest that this variant may disrupt the consensus splice site, but this prediction has not been confirmed by published transcriptional studies. This variant has not been reported in the literature in individuals with DMD-related conditions. This variant is not present in population databases (ExAC no frequency). This sequence change affects an acceptor splice site in intron 31 of the DMD gene. It is expected to disrupt RNA splicing. Variants that disrupt the donor or acceptor splice site typically lead to a loss of protein function (PMID: 16199547), and loss-of-function variants in DMD are known to be pathogenic (PMID: 16770791, 25007885).

Literature cited by the submitters: PubMed 16199547; PubMed 16770791; PubMed 25007885.